The following is an entry in ClinVar:

NM_001458.5(FLNC):c.7862G>A (p.Arg2621Gln)

Genes: FLNC (filamin C; plus strand), FLNC-AS1 (FLNC antisense RNA 1; minus strand). Cytogenetic location: 7q32.1.
Variant type: single nucleotide variant.
Coding change: c.7862G>A on transcript NM_001458.5 (MANE Select); coding-DNA position 7862, G replaced by A.
Protein change: p.Arg2621Gln; replaces arginine 2621 with glutamine.
Molecular consequence: missense variant.
Genome position (GRCh38, 1-based): chr7:128,858,089, G>A. VCF-style: chr7-128858089-G-A. GRCh37 (hg19) VCF-style: chr7-128498143-G-A.
Other names: c.7763G>A, p.Arg2588Gln (NM_001127487.2); short protein forms R2621Q, R2588Q.
Identifiers: ClinVar variation 197563 (VCV000197563.27), dbSNP rs201636548, ClinGen allele CA245809.

ClinVar aggregate classification (germline): Conflicting classifications of pathogenicity. Review status: criteria provided, conflicting classifications (1 of 4 stars). 9 submissions from 9 submitters: Uncertain significance (1); Benign (2); Likely benign (6). Last evaluated 2026-05-01.

Conditions:
Distal myopathy with posterior leg and anterior hand involvement. Also called: WILLIAMS DISTAL MYOPATHY. Identifiers: Orphanet 63273, MedGen C3279722, MONDO:0013550, OMIM 614065.
Myofibrillar myopathy 5. Also called: Filaminopathy (type); FILAMINOPATHY, AUTOSOMAL DOMINANT. Identifiers: Orphanet 171445, MedGen C1836050, MONDO:0012289, OMIM 609524.
Hypertrophic cardiomyopathy 26. Also called: Cardiomyopathy, familial hypertrophic, 26. Identifiers: Orphanet 75249, MedGen C4310749, MONDO:0014883, OMIM 617047.
Cardiovascular phenotype. Identifiers: MedGen CN230736.
Cardiomyopathy (CMYO). Also called: Cardiomyopathies. Identifiers: Orphanet 167848, MedGen C0878544, MONDO:0004994, HP:0001638. Inheritance: Various modes of inheritance.

Allele frequency attached by ClinVar (database versions not stated): gnomAD exomes 0.00039; ExAC 0.00046; 1000 Genomes Project 0.00100; 1000 Genomes Project 30x 0.00109; ESP Exome Variant Server 0.00111; gnomAD 0.00123 and 0.00131.
gnomAD v4.1: 388 of 1,613,226 alleles (0.024%); highest among the groups gnomAD compares: African/African-American, 0.44%; no homozygotes.

Submissions (9):

CeGaT Center for Human Genetics Tuebingen
Classification: Likely benign. Last evaluated: 2026-05-01. Review status: criteria provided, single submitter. Criteria: CeGaT Center For Human Genetics Tuebingen Variant Classification Criteria Version 2. Collection method: clinical testing. Allele origin: germline. Affected: yes. Observed: 1 variant allele.
Comment: FLNC: BP4, BS1

Labcorp Genetics (formerly Invitae), Labcorp
Classification: Likely benign for Distal myopathy with posterior leg and anterior hand involvement; Myofibrillar myopathy 5; Hypertrophic cardiomyopathy 26. Last evaluated: 2026-01-28. Review status: criteria provided, single submitter. Criteria: Invitae Variant Classification Sherloc (09022015). Collection method: clinical testing. Allele origin: germline.

Molecular Diagnostic Laboratory for Inherited Cardiovascular Disease, Montreal Heart Institute
Classification: Likely benign. Last evaluated: 2025-04-09. Review status: criteria provided, single submitter. Criteria: ACMG Guidelines, 2015. Collection method: clinical testing. Allele origin: germline. Affected: no.

Women's Health and Genetics/Laboratory Corporation of America, LabCorp
Classification: Likely benign. Last evaluated: 2025-02-10. Review status: criteria provided, single submitter. Criteria: LabCorp Variant Classification Summary - May 2015. Collection method: clinical testing. Allele origin: germline.

Blueprint Genetics
Classification: Likely benign. Last evaluated: 2024-09-03. Review status: criteria provided, single submitter. Criteria: ACMG Guidelines, 2015. Collection method: clinical testing. Allele origin: germline.

CHEO Genetics Diagnostic Laboratory, Children's Hospital of Eastern Ontario
Classification: Benign for Cardiomyopathy. Last evaluated: 2021-09-14. Review status: criteria provided, single submitter. Criteria: ACMG Guidelines, 2015. Collection method: clinical testing. Allele origin: germline.

GeneDx
Classification: Benign. Last evaluated: 2020-11-12. Review status: criteria provided, single submitter. Criteria: GeneDx Variant Classification Process June 2021. Collection method: clinical testing. Allele origin: germline. Affected: yes.

Ambry Genetics
Classification: Likely benign for Cardiovascular phenotype. Last evaluated: 2019-02-01. Review status: criteria provided, single submitter. Criteria: Ambry Variant Classification Scheme 2023. Collection method: clinical testing. Allele origin: germline.

Eurofins Ntd Llc (ga)
Classification: Uncertain significance. Last evaluated: 2015-01-20. Review status: criteria provided, single submitter. Criteria: EGL Classification Definitions 2015. Collection method: clinical testing. Allele origin: germline. Observed: 4 variant alleles, 1 heterozygote.

Literature cited by the submitters: PubMed 30086531 (cited by Ambry Genetics).